The following is an entry in ClinVar:

ClinVar aggregate classification (germline): Conflicting classifications of pathogenicity. Review status: criteria provided, conflicting classifications (1 of 4 stars). 3 submissions from 3 submitters: Uncertain significance (2); Likely benign (1). Last evaluated 2025-08-19.

Conditions:
TTN-related disorder. Also called: TTN-related condition; TTN-related disease; TTN-related disorders.
Autosomal recessive limb-girdle muscular dystrophy type 2J (LGMDR10). Also called: Limb-girdle muscular dystrophy, type 2J; MUSCULAR DYSTROPHY, LIMB-GIRDLE, AUTOSOMAL RECESSIVE 10. Identifiers: Orphanet 140922, MedGen C1837342, MONDO:0012127, OMIM 608807.
Dilated cardiomyopathy 1G (CMD1G). Identifiers: Orphanet 154, MedGen C1858763, MONDO:0011400, OMIM 604145.

Allele frequency attached by ClinVar (database versions not stated): TOPMed 0.00001.
gnomAD v4.1: 5 of 1,613,738 alleles (0.00031%); highest among the groups gnomAD compares: Admixed American, 0.0083%; no homozygotes.

Submissions (3):

PreventionGenetics, part of Exact Sciences
Classification: Uncertain significance for TTN-related condition. Last evaluated: 2025-08-19. Review status: criteria provided, single submitter. Criteria: ACMG Guidelines, 2015. Collection method: clinical testing. Allele origin: germline.
Comment: The TTN c.88106G>A variant is predicted to result in the amino acid substitution p.Gly29369Asp. To our knowledge, this variant has not been reported in the literature. This variant is reported in 0.017% of alleles in individuals of Latino descent in gnomAD. At this time, the clinical significance of this variant is uncertain due to the absence of conclusive functional and genetic evidence.

GeneDx
Classification: Likely benign. Last evaluated: 2020-08-26. Review status: criteria provided, single submitter. Criteria: GeneDx Variant Classification Process June 2021. Collection method: clinical testing. Allele origin: germline. Affected: yes.

Labcorp Genetics (formerly Invitae), Labcorp
Classification: Uncertain significance for Dilated cardiomyopathy 1G; Autosomal recessive limb-girdle muscular dystrophy type 2J. Last evaluated: 2017-03-22. Review status: criteria provided, single submitter. Criteria: Invitae Variant Classification Sherloc (09022015). Collection method: clinical testing. Allele origin: germline.

NM_001267550.2(TTN):c.88106G>A (p.Gly29369Asp)

Genes: TTN (titin; minus strand), TTN-AS1 (TTN antisense RNA 1; plus strand). Cytogenetic location: 2q31.2.
Variant type: single nucleotide variant.
Coding change: c.88106G>A on transcript NM_001267550.2 (MANE Select); coding-DNA position 88106, G replaced by A.
Protein change: p.Gly29369Asp; replaces glycine 29369 with aspartic acid.
Molecular consequence: missense variant.
Genome position (GRCh38, 1-based): chr2:178,557,048, C>T on the plus strand (G>A on the coding strand, the complement: TTN is on the minus strand). VCF-style: chr2-178557048-C-T. GRCh37 (hg19) VCF-style: chr2-179421775-C-T.
Other names: c.83183G>A, p.Gly27728Asp (NM_001256850.1); c.60911G>A, p.Gly20304Asp (NM_003319.4); c.80402G>A, p.Gly26801Asp (NM_133378.4); c.61286G>A, p.Gly20429Asp (NM_133432.3); c.61487G>A, p.Gly20496Asp (NM_133437.4); short protein forms G29369D, G20304D, G20496D, G26801D, G27728D, G20429D.
Identifiers: ClinVar variation 467598 (VCV000467598.7), dbSNP rs55898359, ClinGen allele CA1988201.